The following is an entry in ClinVar:

ClinVar aggregate classification (germline): Benign. Review status: criteria provided, multiple submitters, no conflicts (2 of 4 stars). 2 submissions from 2 submitters: Benign (2). Last evaluated 2022-07-06.

Conditions:
Amyotrophic lateral sclerosis type 21. Also called: VOCAL CORD AND PHARYNGEAL DYSFUNCTION WITH DISTAL MYOPATHY; MYOPATHY, DISTAL, 2. Identifiers: Orphanet 600, Orphanet 803, MedGen C3807521, MONDO:0011632, OMIM 606070.

Allele frequency attached by ClinVar (database versions not stated): gnomAD exomes 0.00001 and 0.00006; gnomAD 0.00003; TOPMed 0.00004; ExAC 0.00006.
gnomAD v4.1: 19 of 1,568,630 alleles (0.0012%); highest among the groups gnomAD compares: East Asian, 0.04%; no homozygotes.

Submissions (2):

Labcorp Genetics (formerly Invitae), Labcorp
Classification: Benign for Amyotrophic lateral sclerosis type 21. Last evaluated: 2022-07-06. Review status: criteria provided, single submitter. Criteria: Invitae Variant Classification Sherloc (09022015). Collection method: clinical testing. Allele origin: germline.

Illumina Laboratory Services, Illumina
Classification: Benign for Amyotrophic lateral sclerosis type 21. Last evaluated: 2018-01-12. Review status: criteria provided, single submitter. Criteria: ICSL Variant Classification Criteria 13 December 2019. Collection method: clinical testing. Allele origin: germline.
Comment: This variant was observed in the ICSL laboratory as part of a predisposition screen in an ostensibly healthy population. It had not been previously curated by ICSL or reported in the Human Gene Mutation Database (HGMD: prior to June 1st, 2018), and was therefore a candidate for classification through an automated scoring system. Utilizing variant allele frequency, disease prevalence and penetrance estimates, and inheritance mode, an automated score was calculated to assess if this variant is too frequent to cause the disease. Based on the score and internal cut-off values, a variant classified as benign is not then subjected to further curation. The score for this variant resulted in a classification of benign for this disease.

NM_018834.6(MATR3):c.2494-14C>A

Gene: MATR3 (matrin 3; plus strand). Cytogenetic location: 5q31.2.
Variant type: single nucleotide variant.
Coding change: c.2494-14C>A on transcript NM_018834.6 (MANE Select); 14 bases into the intron before coding-DNA position 2494, C replaced by A.
Molecular consequence: intron variant.
Genome position (GRCh38, 1-based): chr5:139,329,331, C>A. VCF-style: chr5-139329331-C-A. GRCh37 (hg19) VCF-style: chr5-138665020-C-A.
Other names: c.2494-14C>A (NM_199189.3, NM_001194954.2, NM_001194955.2); c.1480-14C>A (NM_001282278.2); c.1630-14C>A (NM_001194956.2).
Identifiers: ClinVar variation 351141 (VCV000351141.12), dbSNP rs779597861, ClinGen allele CA3433480.